The following is an entry in ClinVar:

ClinVar aggregate classification (germline): Benign. Review status: criteria provided, multiple submitters, no conflicts (2 of 4 stars). 4 submissions from 4 submitters: Benign (3). 1 of the submissions does not count toward it. Last evaluated 2021-03-03.

Conditions:
Polycystic kidney disease, adult type (PKD1). Also called: Polycystic Kidney, Autosomal Dominant; POLYCYSTIC KIDNEY DISEASE 1 WITH OR WITHOUT POLYCYSTIC LIVER DISEASE; POLYCYSTIC KIDNEY DISEASE, ADULT, TYPE I; Polycystic Kidney Disease 1, Autosomal Dominant; Polycystic kidney disease 1; Polycystic kidney disease 1, severe. Identifiers: MedGen C3149841, MONDO:0008263, OMIM 173900.
Polycystic kidney disease. Also called: Kidney, Polycystic; Polycystic kidney dysplasia. Identifiers: MedGen C0022680, MeSH D007690, MONDO:0020642, HP:0000113.
Autosomal dominant polycystic kidney disease. Identifiers: Orphanet 730, MedGen C0085413, MONDO:0004691.

Submissions (4):

Athena Diagnostics
Classification: Benign. Last evaluated: 2021-03-03. Review status: criteria provided, single submitter. Criteria: Athena Diagnostics criteria. Collection method: clinical testing. Allele origin: unknown.

ARUP Laboratories, Molecular Genetics and Genomics, ARUP Laboratories
Classification: Benign for Polycystic kidney disease, adult type. Last evaluated: 2020-04-01. Review status: criteria provided, single submitter. Criteria: ARUP Molecular Germline Variant Investigation Process. Collection method: clinical testing. Allele origin: germline.

Molecular Genetics of Inherited Kidney Disorders Laboratory, Garvan Institute of Medical Research
Classification: Benign for Autosomal dominant polycystic kidney disease. Last evaluated: 2019-01-01. Review status: criteria provided, single submitter. Criteria: ACMG Guidelines, 2015. Collection method: research. Allele origin: germline. Affected: yes.

Department of Pathology and Laboratory Medicine, Sinai Health System
Classification: Benign for Polycystic Kidney disease. Review status: no assertion criteria provided. Collection method: clinical testing. Allele origin: unknown. Affected: yes. Study: The Canadian Open Genetics Repository (COGR). Not counted in ClinVar's aggregate classification.
Comment: The PKD1 c.12138+22delG variant was identified in 70 of 1378 proband chromosomes (frequency: 0.05) from French, Spanish, English, Chinese, Slovenian, North American individuals or families with ADPKD and was present in 26 of 200 control chromosomes (frequency: 0.13) from healthy individuals (Badenas 1999, Bataille 2011, Burtey 2002 , Daniells 1998, Ding 2002, Garcia-Gonzalez 2007, Perrichot 1999, Vouk 2006). This literature also describes the variant as a polymorphism because of its frequency and being found to cooccurr with (unspecified) pathogenic PKD1/PKD2 variants. The variant was also identified in dbSNP (ID: rs199701927) as â€šÃ„ÃºNAâ€šÃ„Ã¹, ADPKD Mutation Database (classified likely neutral), and in control databases in 6671 (121 homozygous) of 270826 chromosomes at a frequency of 0.02 increasing the likelihood that this may be a low frequency benign variant in certain populations of origin (Genome Aggregation Consortium Feb 27, 2017), being identified in the following populations: European (Finnish) in 1 991 (15 homozygous) of 24002 chromosomes (frequency: 0.04), European (NonFinnish) in 4536 (93 homozygous) of 123122 chromosomes (frequency: 0.04), Other in 161 (4 homozygous) of 6348 chromosomes (frequency: 0.03), Ashkenazi Jewish in 167 of 10010 chromosomes (frequency: 0.02), South Asian in 348 (4 homozygous) of 307704 chromosomes (frequency: 0.01), Latino in 294 (2 homozygous) of 34316 chromosomes (frequency: 0.009), African in 157 (3 homozygous) of 23564 chromosomes (frequency: 0.007), and East Asian in 17 of 18760 chromosomes (frequency: 0.0009). The variant was not identified in ClinVar, Clinvitae, LOVD 3.0, PKD1-LOVD, databases. The variant occurs outside of the splicing consensus sequence and in silico or computational prediction software programs (SpliceSiteFinder, MaxEntScan, NNSPLICE, GeneSplicer, HumanSpliceFinder) do not predict a difference in splicing. In summary, based on the above information this variant meets our laboratory criteria to be classified as benign.

NM_001009944.3(PKD1):c.12138+22del

Gene: PKD1 (polycystin 1, transient receptor potential channel interacting; minus strand). Cytogenetic location: 16p13.3.
Variant type: Deletion.
Coding change: c.12138+22del on transcript NM_001009944.3 (MANE Select); 22 bases into the intron after coding-DNA position 12138, one base deleted (G; older notation c.12138+22delG).
Molecular consequence: intron variant.
Genome position (GRCh38, 1-based): chr16:2,090,652, C deleted on the plus strand (G on the coding strand, the reverse complement: PKD1 is on the minus strand); the first of 4 consecutive C bases (chr16:2,090,652-2,090,655); deleting any one gives the same sequence. VCF-style (leftmost placement, unchanged base first): chr16-2090651-TC-T. GRCh37 (hg19) VCF-style: chr16-2140652-TC-T.
Other names: c.12135+22del (NM_000296.4); c.12135+22delG (NM_000296.3).
Identifiers: ClinVar variation 440084 (VCV000440084.13), dbSNP rs199701927, ClinGen allele CA7828798.
Genomic context (GRCh38, chr16:2,090,651, plus strand): 5'-CTGCGGGGAAGGCGACACCAGTGAGGGCGTACAGCTGAGCTGAGCTGAGCTAAGACGCCC[TC>T]CCCGGCCGCGCAGTCACCTACCAGGATGGCCAGCTGGGCGTAGGCTACCCCGAGCACCAC-3'